The following is an entry in ClinVar:

NM_000260.4(MYO7A):c.133_153dup

Gene: MYO7A (myosin VIIA; plus strand). Cytogenetic location: 11q13.5.
Variant type: Duplication.
Coding change: c.133_153dup on transcript NM_000260.4 (MANE Select); coding-DNA positions 133 to 153, 21 bases duplicated (GAACACTGGATCTCTCCGCAG).
Molecular consequence: splice acceptor variant.
Genome position (GRCh38, 1-based): chr11:77,147,798-77,147,818, GAACACTGGATCTCTCCGCAG duplicated; duplicating any 21 consecutive bases within chr11:77,147,792-77,147,818 gives the same sequence; the c. name uses the placement nearest the transcript's 3' end. VCF-style (leftmost placement, unchanged base first): chr11-77147791-C-CCCGCAGGAACACTGGATCTCT. GRCh37 (hg19) VCF-style: chr11-76858837-C-CCCGCAGGAACACTGGATCTCT.
Other names: c.133_153dup21 (NM_000260.3); c.133_153dup (NM_000260.3).
Identifiers: ClinVar variation 752895 (VCV000752895.18), ClinGen allele CA6197051.

ClinVar aggregate classification (germline): Conflicting classifications of pathogenicity. Review status: criteria provided, conflicting classifications (1 of 4 stars). 4 submissions from 4 submitters: Uncertain significance (2); Likely benign (2). Last evaluated 2026-04-04.

Conditions:
MYO7A-related disorder. Also called: MYO7A-related disorders.

Submissions (4):

PreventionGenetics, part of Exact Sciences
Classification: Likely benign for MYO7A-related condition. Last evaluated: 2026-04-04. Review status: criteria provided, single submitter. Criteria: ACMG Guidelines, 2015. Collection method: clinical testing. Allele origin: germline.
Comment: This variant is classified as likely benign based on ACMG/AMP sequence variant interpretation guidelines (Richards et al. 2015 PMID: 25741868, with internal and published modifications).

Labcorp Genetics (formerly Invitae), Labcorp
Classification: Likely benign. Last evaluated: 2026-01-20. Review status: criteria provided, single submitter. Criteria: Invitae Variant Classification Sherloc (09022015). Collection method: clinical testing. Allele origin: germline.

Blueprint Genetics
Classification: Uncertain significance. Last evaluated: 2024-05-17. Review status: criteria provided, single submitter. Criteria: ACMG Guidelines, 2015. Collection method: clinical testing. Allele origin: germline.

Revvity Omics, Revvity
Classification: Uncertain significance. Last evaluated: 2020-07-21. Review status: criteria provided, single submitter. Criteria: ACMG Guidelines, 2015. Collection method: clinical testing. Allele origin: germline.